The following is an entry in ClinVar:

ClinVar aggregate classification (germline): Conflicting classifications of pathogenicity. Review status: criteria provided, conflicting classifications (1 of 4 stars). 3 submissions from 3 submitters: Uncertain significance (2); Likely benign (1). Last evaluated 2019-11-12.

Allele frequency attached by ClinVar (database versions not stated): gnomAD 0.00002; gnomAD exomes 0.00002 and 0.00009; TOPMed 0.00002; ExAC 0.00010.
gnomAD v4.1: 26 of 1,612,662 alleles (0.0016%); highest among the groups gnomAD compares: East Asian, 0.053%; no homozygotes.

Submissions (3):

GeneDx
Classification: Likely benign. Last evaluated: 2019-11-12. Review status: criteria provided, single submitter. Criteria: GeneDx Variant Classification Process June 2021. Collection method: clinical testing. Allele origin: germline. Affected: yes.
Comment: This variant is associated with the following publications: (PMID: 27930701)

Revvity Omics, Revvity
Classification: Uncertain significance. Last evaluated: 2019-06-26. Review status: criteria provided, single submitter. Criteria: ACMG Guidelines, 2015. Collection method: clinical testing. Allele origin: germline.

Laboratory for Molecular Medicine, Mass General Brigham Personalized Medicine
Classification: Uncertain significance. Last evaluated: 2014-03-14. Review status: criteria provided, single submitter. Criteria: LMM Criteria. Collection method: clinical testing. Allele origin: germline. Observed: 1 variant allele.
Comment: The Asn33144His variant in TTN has not been reported in individuals with cardiom yopathy or in large population studies. Computational prediction tools and conse rvation analysis do not provide strong support for or against an impact to the p rotein. Additional information is needed to fully assess the clinical significan ce of the Asn33144His variant.

NM_001267550.2(TTN):c.107134A>C (p.Asn35712His)

Genes: TTN (titin; minus strand), TTN-AS1 (TTN antisense RNA 1; plus strand). Cytogenetic location: 2q31.2.
Variant type: single nucleotide variant.
Coding change: c.107134A>C on transcript NM_001267550.2 (MANE Select); coding-DNA position 107134, A replaced by C.
Protein change: p.Asn35712His; replaces asparagine 35712 with histidine.
Molecular consequence: missense variant.
Genome position (GRCh38, 1-based): chr2:178,528,617, T>G on the plus strand (A>C on the coding strand, the complement: TTN is on the minus strand). VCF-style: chr2-178528617-T-G. GRCh37 (hg19) VCF-style: chr2-179393344-T-G.
Other names: p.N34071H:AAT>CAT; c.79939A>C, p.Asn26647His (NM_003319.4); c.80314A>C, p.Asn26772His (NM_133432.3); c.80515A>C, p.Asn26839His (NM_133437.4); c.102211A>C, p.Asn34071His (NM_001256850.1); c.99430A>C, p.Asn33144His (NM_133378.4); short protein forms N33144H, N35712H, N34071H, N26647H, N26839H, N26772H.
Identifiers: ClinVar variation 179558 (VCV000179558.9), dbSNP rs727504949, ClinGen allele CA184656.
Genomic context (GRCh38, chr2:178,528,617, plus strand): 5'-CAGGGGATGGCTCGCCACTGATTTCACAAGTAAAGAGAACATTTTGTCCTTCATTAATAT[T>G]TTGAGATCTAGGCTGTGAGATGAAGGCTGGAGCATCTGAGAGTTCTTTGCTCAGTGTCAA-3'
Protein context (NP_001254479.2, residues 35702-35722): PAFISQPRSQ[Asn35712His]INEGQNVLFT